The following is an entry in ClinVar:

ClinVar aggregate classification (germline): Uncertain significance (1 of 4 stars; one submission).

Conditions:
Perlman syndrome (PRLMNS). Identifiers: Orphanet 2849, MedGen C0796113, MONDO:0009965, OMIM 267000.

Allele frequency attached by ClinVar (database versions not stated): gnomAD exomes below 0.00001 and 0.00001; ExAC 0.00001; gnomAD 0.00002; TOPMed 0.00002.
gnomAD v4.1: 8 of 1,613,028 alleles (0.0005%); highest among the groups gnomAD compares: Non-Finnish European, 0.00059%; no homozygotes.

Submission:

Labcorp Genetics (formerly Invitae), Labcorp
Classification: Uncertain significance for Perlman syndrome. Last evaluated: 2023-11-07. Review status: criteria provided, single submitter. Criteria: Invitae Variant Classification Sherloc (09022015). Collection method: clinical testing. Allele origin: germline.
Comment: This sequence change replaces serine, which is neutral and polar, with glycine, which is neutral and non-polar, at codon 619 of the DIS3L2 protein (p.Ser619Gly). This variant is present in population databases (rs764730412, gnomAD 0.0009%). This variant has not been reported in the literature in individuals affected with DIS3L2-related conditions. ClinVar contains an entry for this variant (Variation ID: 575252). Advanced modeling of protein sequence and biophysical properties (such as structural, functional, and spatial information, amino acid conservation, physicochemical variation, residue mobility, and thermodynamic stability) performed at Invitae indicates that this missense variant is not expected to disrupt DIS3L2 protein function with a negative predictive value of 80%. In summary, the available evidence is currently insufficient to determine the role of this variant in disease. Therefore, it has been classified as a Variant of Uncertain Significance.

NM_152383.5(DIS3L2):c.1855A>G (p.Ser619Gly)

Gene: DIS3L2 (DIS3 like 3'-5' exoribonuclease 2; plus strand). Cytogenetic location: 2q37.1.
Variant type: single nucleotide variant.
Coding change: c.1855A>G on transcript NM_152383.5 (MANE Select); coding-DNA position 1855, A replaced by G.
Protein change: p.Ser619Gly; replaces serine 619 with glycine.
Molecular consequence: missense variant. On other transcripts: non-coding transcript variant (2), intron variant (1).
Genome position (GRCh38, 1-based): chr2:232,329,928, A>G. VCF-style: chr2-232329928-A-G. GRCh37 (hg19) VCF-style: chr2-233194638-A-G.
Other names: c.1582-13417A>G (NM_001257281.2); short protein forms S619G.
Identifiers: ClinVar variation 575252 (VCV000575252.9), dbSNP rs764730412, ClinGen allele CA2164288.